The following is an entry in ClinVar:

NM_000368.5(TSC1):c.1727T>G (p.Leu576Trp)

Gene: TSC1 (TSC complex subunit 1; minus strand). Cytogenetic location: 9q34.13.
Variant type: single nucleotide variant.
Coding change: c.1727T>G on transcript NM_000368.5 (MANE Select); coding-DNA position 1727, T replaced by G.
Protein change: p.Leu576Trp; replaces leucine 576 with tryptophan.
Molecular consequence: missense variant. On other transcripts: non-coding transcript variant (5).
Genome position (GRCh38, 1-based): chr9:132,905,851, A>C on the plus strand (T>G on the coding strand, the complement: TSC1 is on the minus strand). VCF-style: chr9-132905851-A-C. GRCh37 (hg19) VCF-style: chr9-135781238-A-C.
Other names: c.1724T>G, p.Leu575Trp (NM_001162426.2, NM_001406597.1, NM_001406598.1 and 6 more transcripts); c.1574T>G, p.Leu525Trp (NM_001162427.2, NM_001406610.1); c.1364T>G, p.Leu455Trp (NM_001362177.2, NM_001406614.1, NM_001406615.1 and 5 more transcripts); c.1727T>G, p.Leu576Trp (NM_001406592.1, NM_001406593.1, NM_001406594.1 and 7 more transcripts); c.1571T>G, p.Leu524Trp (NM_001406611.1, NM_001406612.1, NM_001406613.1); c.1361T>G, p.Leu454Trp (NM_001406620.1, NM_001406621.1, NM_001406622.1 and 2 more transcripts); c.776T>G, p.Leu259Trp (NM_001406626.1); c.773T>G, p.Leu258Trp (NM_001406627.1, NM_001406628.1); and 1 more; short protein forms L225W, L258W, L259W, L454W, L455W, L524W, L525W, L575W.
Identifiers: ClinVar variation 3231279 (VCV003231279.2), dbSNP rs2131828772, ClinGen allele CA375363949.
Genomic context (GRCh38, chr9:132,905,851, plus strand): 5'-AAGCCCACTCTCGTCGGAGGTGGAATTTTACAAGGACTGGGAGTGAAGATACTGGTCTCC[A>C]AAGAAGTCTGGCATTCCCTGTCTCCCGCAGGGCTTTCATCAGCACTGCCGCAGGGCAGGT-3'
Protein context (NP_000359.1, residues 566-586): PAGDRECQTS[Leu576Trp]ETSIFTPSPC

ClinVar aggregate classification (germline): Uncertain significance (1 of 4 stars; one submission).

Conditions:
Hereditary cancer-predisposing syndrome. Also called: Neoplastic Syndromes, Hereditary; Tumor predisposition; Hereditary neoplastic syndrome; Hereditary Cancer Syndrome. Identifiers: Orphanet 140162, MedGen C0027672, MeSH D009386, MONDO:0015356.

Submission:

Ambry Genetics
Classification: Uncertain significance for Hereditary cancer-predisposing syndrome. Last evaluated: 2025-01-02. Review status: criteria provided, single submitter. Criteria: Ambry Variant Classification Scheme 2023. Collection method: clinical testing. Allele origin: germline.
Comment: The p.L576W variant (also known as c.1727T>G), located in coding exon 13 of the TSC1 gene, results from a T to G substitution at nucleotide position 1727. The leucine at codon 576 is replaced by tryptophan, an amino acid with similar properties. This amino acid position is well conserved in available vertebrate species. In addition, this alteration is predicted to be tolerated by in silico analysis. Based on the available evidence, the clinical significance of this variant remains unclear.